The following is an entry in ClinVar:

ClinVar aggregate classification (germline): Uncertain significance (1 of 4 stars; one submission).

Submission:

CeGaT Center for Human Genetics Tuebingen
Classification: Uncertain significance. Last evaluated: 2023-07-01. Review status: criteria provided, single submitter. Criteria: CeGaT Center For Human Genetics Tuebingen Variant Classification Criteria Version 2. Collection method: clinical testing. Allele origin: germline. Affected: yes. Observed: 1 variant allele.
Comment: TTN: PM2, BP4

NM_001267550.2(TTN):c.85055T>C (p.Val28352Ala)

Genes: TTN (titin; minus strand), TTN-AS1 (TTN antisense RNA 1; plus strand). Cytogenetic location: 2q31.2.
Variant type: single nucleotide variant.
Coding change: c.85055T>C on transcript NM_001267550.2 (MANE Select); coding-DNA position 85055, T replaced by C.
Protein change: p.Val28352Ala; replaces valine 28352 with alanine.
Molecular consequence: missense variant.
Genome position (GRCh38, 1-based): chr2:178,561,077, A>G on the plus strand (T>C on the coding strand, the complement: TTN is on the minus strand). VCF-style: chr2-178561077-A-G. GRCh37 (hg19) VCF-style: chr2-179425804-A-G.
Other names: c.80132T>C, p.Val26711Ala (NM_001256850.1); c.57860T>C, p.Val19287Ala (NM_003319.4); c.77351T>C, p.Val25784Ala (NM_133378.4); c.58235T>C, p.Val19412Ala (NM_133432.3); c.58436T>C, p.Val19479Ala (NM_133437.4); short protein forms V19287A, V19412A, V19479A, V25784A, V26711A, V28352A.
Identifiers: ClinVar variation 2578880 (VCV002578880.25), dbSNP rs2469680847, ClinGen allele CA349555924.
Genomic context (GRCh38, chr2:178,561,077, plus strand): 5'-CCAGCTTTGACAACAATAACGTCTCGGAACTTGACATCCATCATAACTCTTGGAGGCTCA[A>G]CATCATCTTTAACTATAATAGGCCCAGTGGATTCAGATGGCTCACTAACTGAGTCAGCAG-3'
Protein context (NP_001254479.2, residues 28342-28362): STGPIIVKDD[Val28352Ala]EPPRVMMDVK